The following is an entry in ClinVar:

NM_001128205.2(SULF1):c.592G>A (p.Glu198Lys)

Gene: SULF1 (sulfatase 1; plus strand). Cytogenetic location: 8q13.2.
Variant type: single nucleotide variant.
Coding change: c.592G>A on transcript NM_001128205.2 (MANE Select); coding-DNA position 592, G replaced by A.
Protein change: p.Glu198Lys; replaces glutamic acid 198 with lysine.
Molecular consequence: missense variant. On other transcripts: non-coding transcript variant (6), intron variant (3).
Genome position (GRCh38, 1-based): chr8:69,588,999, G>A. VCF-style: chr8-69588999-G-A. GRCh37 (hg19) VCF-style: chr8-70501234-G-A.
Other names: c.592G>A, p.Glu198Lys (NM_001412829.1, NM_001412830.1, NM_001412831.1 and 19 more transcripts); c.406G>A, p.Glu136Lys (NM_001412841.1, NM_001412842.1); c.39-47G>A (NM_001412845.1, NM_001412844.1); c.-1137-47G>A (NM_001412846.1); short protein forms E136K, E198K.
Identifiers: ClinVar variation 3000023 (VCV003000023.3), dbSNP rs776280066, ClinGen allele CA4775623.

ClinVar aggregate classification (germline): Uncertain significance (1 of 4 stars; one submission).

Allele frequency attached by ClinVar (database versions not stated): ExAC 0.00001; gnomAD exomes 0.00002.
gnomAD v4.1: 32 of 1,613,904 alleles (0.002%); highest among the groups gnomAD compares: Non-Finnish European, 0.0023%; no homozygotes.

Submission:

Labcorp Genetics (formerly Invitae), Labcorp
Classification: Uncertain significance. Last evaluated: 2023-11-27. Review status: criteria provided, single submitter. Criteria: Invitae Variant Classification Sherloc (09022015). Collection method: clinical testing. Allele origin: germline.
Comment: This sequence change replaces glutamic acid, which is acidic and polar, with lysine, which is basic and polar, at codon 198 of the SULF1 protein (p.Glu198Lys). This variant is present in population databases (rs776280066, gnomAD 0.006%). This variant has not been reported in the literature in individuals affected with SULF1-related conditions. An algorithm developed to predict the effect of missense changes on protein structure and function (PolyPhen-2) suggests that this variant is likely to be tolerated. In summary, the available evidence is currently insufficient to determine the role of this variant in disease. Therefore, it has been classified as a Variant of Uncertain Significance.